The following is an entry in ClinVar:

ClinVar aggregate classification (germline): Likely benign (1 of 4 stars; one submission).

Conditions:
EHHADH-related disorder. Also called: EHHADH-related condition.

gnomAD v4.1: 5 of 1,613,744 alleles (0.00031%); highest among the groups gnomAD compares: Non-Finnish European, 0.00042%; no homozygotes.

Submission:

PreventionGenetics, part of Exact Sciences
Classification: Likely benign for EHHADH-related condition. Last evaluated: 2025-05-23. Review status: criteria provided, single submitter. Criteria: ACMG Guidelines, 2015. Collection method: clinical testing. Allele origin: germline.
Comment: This variant is classified as likely benign based on ACMG/AMP sequence variant interpretation guidelines (Richards et al. 2015 PMID: 25741868, with internal and published modifications).

NM_001966.4(EHHADH):c.1065C>T (p.Gly355=)

Gene: EHHADH (enoyl-CoA hydratase and 3-hydroxyacyl CoA dehydrogenase; minus strand). Cytogenetic location: 3q27.2.
Variant type: single nucleotide variant.
Coding change: c.1065C>T on transcript NM_001966.4 (MANE Select); coding-DNA position 1065, C replaced by T.
Protein change: p.Gly355=; no amino-acid change (glycine 355 retained).
Molecular consequence: synonymous variant.
Genome position (GRCh38, 1-based): chr3:185,193,333, G>A on the plus strand (C>T on the coding strand, the complement: EHHADH is on the minus strand). VCF-style: chr3-185193333-G-A. GRCh37 (hg19) VCF-style: chr3-184911121-G-A.
Other names: c.777C>T, p.Gly259= (NM_001166415.2).
Identifiers: ClinVar variation 4987772 (VCV004987772.1).